The following is an entry in ClinVar:

ClinVar aggregate classification (germline): Uncertain significance (1 of 4 stars; one submission).

Submission:

GeneDx
Classification: Uncertain significance. Last evaluated: 2019-11-06. Review status: criteria provided, single submitter. Criteria: GeneDx Variant Classification Process June 2021. Collection method: clinical testing. Allele origin: germline. Affected: yes.
Comment: Not observed in large population cohorts (Lek et al., 2016); In silico analysis, which includes protein predictors and evolutionary conservation, supports a deleterious effect; Has not been previously published as pathogenic or benign to our knowledge

NM_001379029.1(CERT1):c.1823G>T (p.Arg608Leu)

Gene: CERT1 (ceramide transporter 1; minus strand). Cytogenetic location: 5q13.3.
Variant type: single nucleotide variant.
Coding change: c.1823G>T on transcript NM_001379029.1 (MANE Select); coding-DNA position 1823, G replaced by T.
Protein change: p.Arg608Leu; replaces arginine 608 with leucine.
Molecular consequence: missense variant. On other transcripts: intron variant (1).
Genome position (GRCh38, 1-based): chr5:75,379,398, C>A on the plus strand (G>T on the coding strand, the complement: CERT1 is on the minus strand). VCF-style: chr5-75379398-C-A. GRCh37 (hg19) VCF-style: chr5-74675223-C-A.
Other names: c.2207G>T, p.Arg736Leu (NM_001130105.1); c.1823G>T, p.Arg608Leu (NM_001379002.1, NM_005713.3); c.1745G>T, p.Arg582Leu (NM_001379003.1, NM_031361.3); c.1669+1674G>T (NM_001379004.1); short protein forms R582L, R608L, R736L.
Identifiers: ClinVar variation 1309511 (VCV001309511.2), dbSNP rs2111982436, ClinGen allele CA360138502.